The following is an entry in ClinVar:

ClinVar aggregate classification (germline): Uncertain significance (1 of 4 stars; one submission).

gnomAD v4.1: 15 of 1,613,180 alleles (0.00093%); highest among the groups gnomAD compares: Admixed American, 0.0017%; no homozygotes.

Submission:

Labcorp Genetics (formerly Invitae), Labcorp
Classification: Uncertain significance. Last evaluated: 2024-11-24. Review status: criteria provided, single submitter. Criteria: Invitae Variant Classification Sherloc (09022015). Collection method: clinical testing. Allele origin: germline.
Comment: This sequence change replaces threonine, which is neutral and polar, with alanine, which is neutral and non-polar, at codon 1374 of the CNOT1 protein (p.Thr1374Ala). This variant is present in population databases (rs752407994, gnomAD 0.004%). This variant has not been reported in the literature in individuals affected with CNOT1-related conditions. An algorithm developed to predict the effect of missense changes on protein structure and function (PolyPhen-2) suggests that this variant¬†is likely to be tolerated. In summary, the available evidence is currently insufficient to determine the role of this variant in disease. Therefore, it has been classified as a Variant of Uncertain Significance.

NM_016284.5(CNOT1):c.4135A>G (p.Thr1379Ala)

Gene: CNOT1 (CCR4-NOT transcription complex subunit 1; minus strand). Cytogenetic location: 16q21.
Variant type: single nucleotide variant.
Coding change: c.4135A>G on transcript NM_016284.5 (MANE Select); coding-DNA position 4135, A replaced by G.
Protein change: p.Thr1379Ala; replaces threonine 1379 with alanine.
Molecular consequence: missense variant. On other transcripts: non-coding transcript variant (1).
Genome position (GRCh38, 1-based): chr16:58,545,363, T>C on the plus strand (A>G on the coding strand, the complement: CNOT1 is on the minus strand). VCF-style: chr16-58545363-T-C. GRCh37 (hg19) VCF-style: chr16-58579267-T-C.
Other names: c.4120A>G, p.Thr1374Ala (NM_001265612.2); c.4135A>G, p.Thr1379Ala (NM_206999.3); short protein forms T1379A, T1374A.
Identifiers: ClinVar variation 3697207 (VCV003697207.1).